The following is an entry in ClinVar:

NM_000179.3(MSH6):c.3163dup (p.Ala1055fs)

Gene: MSH6 (mutS homolog 6; plus strand). Cytogenetic location: 2p16.3.
Variant type: Duplication.
Coding change: c.3163dup on transcript NM_000179.3 (MANE Select); coding-DNA position 3163, one base duplicated (G; older notation c.3163dupG).
Protein change: p.Ala1055fs; shifts the reading frame from alanine 1055.
Molecular consequence: frameshift variant.
Genome position (GRCh38, 1-based): chr2:47,801,146, G duplicated. VCF-style (leftmost placement, unchanged base first): chr2-47801145-C-CG. GRCh37 (hg19) VCF-style: chr2-48028284-C-CG.
Other names: c.3163dupG (NM_000179.2); c.2773dup, p.Ala925fs (NM_001281492.2); c.2257dup, p.Ala753fs (NM_001281493.2, NM_001281494.2); short protein forms A925fs, A753fs, A1055fs.
Identifiers: ClinVar variation 237178 (VCV000237178.21), dbSNP rs878853729, ClinGen allele CA10582079.

ClinVar aggregate classification (germline): Pathogenic/Likely pathogenic. Review status: criteria provided, multiple submitters, no conflicts (2 of 4 stars). 8 submissions from 8 submitters: Pathogenic (5); Likely pathogenic (2). 1 of the submissions does not count toward it. Last evaluated 2023-08-22.

Conditions:
Carcinoma of colon (CRC). Also called: Colon carcinoma; Colonic carcinoma. Identifiers: MedGen C0699790, MONDO:0002032.
Hereditary nonpolyposis colon cancer (HNPCC). Also called: Hereditary Nonpolyposis Colorectal Cancer Syndrome; Hereditary nonpolyposis colorectal cancer; Familial nonpolyposis colon cancer. Identifiers: Orphanet 443909, MedGen C1333990, MONDO:0018630. Disease mechanism: loss of function.
Hereditary nonpolyposis colorectal neoplasms. Identifiers: MedGen C0009405, MeSH D003123.
Hereditary cancer-predisposing syndrome. Also called: Hereditary neoplastic syndrome; Tumor predisposition; Neoplastic Syndromes, Hereditary; Hereditary Cancer Syndrome. Identifiers: Orphanet 140162, MedGen C0027672, MeSH D009386, MONDO:0015356.
Lynch syndrome 5 (LYNCH5). Also called: Colorectal cancer, hereditary nonpolyposis, type 5; Hereditary non-polyposis colorectal cancer, type 5. Identifiers: Orphanet 144, MedGen C1833477, MONDO:0013710, OMIM 614350. Disease mechanism: loss of function.

Submissions (8):

Myriad Genetics, Inc.
Classification: Pathogenic for Lynch syndrome 5. Last evaluated: 2023-08-22. Review status: criteria provided, single submitter. Criteria: Myriad Autosomal Dominant, Autosomal Recessive and X-Linked Classification Criteria (2023). Collection method: clinical testing. Allele origin: unknown.
Comment: This variant is considered pathogenic. This variant creates a frameshift predicted to result in premature protein truncation.

Labcorp Genetics (formerly Invitae), Labcorp
Classification: Pathogenic for Hereditary nonpolyposis colorectal neoplasms. Last evaluated: 2022-12-11. Review status: criteria provided, single submitter. Criteria: Invitae Variant Classification Sherloc (09022015). Collection method: clinical testing. Allele origin: germline.
Comment: For these reasons, this variant has been classified as Pathogenic. ClinVar contains an entry for this variant (Variation ID: 237178). This variant has not been reported in the literature in individuals affected with MSH6-related conditions. This variant is not present in population databases (gnomAD no frequency). This sequence change creates a premature translational stop signal (p.Ala1055Glyfs*11) in the MSH6 gene. It is expected to result in an absent or disrupted protein product. Loss-of-function variants in MSH6 are known to be pathogenic (PMID: 18269114, 24362816).

Ambry Genetics
Classification: Pathogenic for Hereditary cancer-predisposing syndrome. Last evaluated: 2022-10-20. Review status: criteria provided, single submitter. Criteria: Ambry Variant Classification Scheme 2023. Collection method: clinical testing. Allele origin: germline.
Comment: The c.3163dupG pathogenic mutation, located in coding exon 4 of the MSH6 gene, results from a duplication of G at nucleotide position 3163, causing a translational frameshift with a predicted alternate stop codon (p.A1055Gfs*11). This alteration is expected to result in loss of function by premature protein truncation or nonsense-mediated mRNA decay. As such, this alteration is interpreted as a disease-causing mutation.

GeneDx
Classification: Pathogenic. Last evaluated: 2022-05-13. Review status: criteria provided, single submitter. Criteria: GeneDx Variant Classification Process June 2021. Collection method: clinical testing. Allele origin: germline. Affected: yes.
Comment: Frameshift variant predicted to result in protein truncation or nonsense mediated decay in a gene for which loss-of-function is a known mechanism of disease; Not observed at significant frequency in large population cohorts (gnomAD); Truncating variants in this gene are considered pathogenic by a well-established clinical consortium and/or database.; Has not been previously published as pathogenic or benign to our knowledge

Women's Health and Genetics/Laboratory Corporation of America, LabCorp
Classification: Likely pathogenic for Hereditary nonpolyposis colon cancer. Last evaluated: 2020-08-31. Review status: criteria provided, single submitter. Criteria: LabCorp Variant Classification Summary - May 2015. Collection method: clinical testing. Allele origin: germline.
Comment: Variant summary: MSH6 c.3163dupG (p.Ala1055GlyfsX11) results in a premature termination codon, predicted to cause a truncation of the encoded protein or absence of the protein due to nonsense mediated decay, which are commonly known mechanisms for disease. Truncations downstream of this position have been classified as pathogenic by our laboratory. The variant was absent in 245836 control chromosomes. To our knowledge, no occurrence of c.3163dupG in individuals affected with Lynch Syndrome and no experimental evidence demonstrating its impact on protein function have been reported. Two clinical diagnostic laboratories have submitted clinical-significance assessments for this variant to ClinVar after 2014 without evidence for independent evaluation. Both laboratories classified the variant as pathogenic. Based on the evidence outlined above, the variant was classified as likely pathogenic.

Sema4
Classification: Likely pathogenic for Hereditary cancer-predisposing syndrome. Last evaluated: 2020-08-28. Review status: criteria provided, single submitter. Criteria: Sema4 Curation Guidelines. Collection method: curation. Allele origin: germline.
Comment: To the best of our knowledge, the MSH6 c.3163dupG (p.A1055Gfs*11) variant has not been reported in individuals with MSH6-related disease. This variant causes a frameshift at amino acid 1055 that results in premature termination 11 amino acids downstream. At this location, this is predicted to cause nonsense-mediated decay and result in an absent protein (loss of function). This variant is not reported in the population database Genome Aggregation Database (PMID: 27535533). Based on the current evidence available, this variant is interpreted as likely pathogenic.

Revvity Omics, Revvity
Classification: Pathogenic. Last evaluated: 2019-11-01. Review status: criteria provided, single submitter. Criteria: ACMG Guidelines, 2015. Collection method: clinical testing. Allele origin: germline.

Department of Pathology and Laboratory Medicine, Sinai Health System
Classification: Pathogenic for Carcinoma of colon. Review status: no assertion criteria provided. Collection method: clinical testing. Allele origin: unknown. Affected: yes. Observed: 1 variant allele. Study: The Canadian Open Genetics Repository (COGR). Not counted in ClinVar's aggregate classification.
Comment: The MSH6 p.Ala1055GlyfsX11 variant was not identified in the literature nor was it identified in the following databases: COGR, Cosmic, MutDB, LOVD 3.0, UMD-LSDB, Zhejiang Colon Cancer Database, Mismatch Repair Genes Variant Database, Insight Hereditary Tumors Database, the 1000 Genomes Project, the NHLBI GO Exome Sequencing Project, the Exome Aggregation Consortium (August 8th 2016), or the Genome Aggregation Database (Feb 27, 2017). The variant was identified in dbSNP (ID: rs878853729) as â€šÃ„ÃºWith Pathogenic alleleâ€šÃ„Ã¹, in ClinVar (classified pathogenic by Invitae), and Clinvitae (1x). The c.3163dupG variant is predicted to cause a frameshift, which alters the protein's amino acid sequence beginning at codon 1055 and leads to a premature stop codon 11 codons downstream. This alteration is then predicted to result in a truncated or absent protein and loss of function. Loss of function variants of the MSH6 gene are an established mechanism of Lynch syndrome and is the type of variant expected to cause the disorder. In summary, based on the above information this variant meets our laboratoryâ€šÃ„Ã´s criteria to be classified as pathogenic.

Literature cited by the submitters: PubMed 18269114 (cited by Labcorp Genetics (formerly Invitae), Labcorp); PubMed 24362816 (cited by Labcorp Genetics (formerly Invitae), Labcorp).